The following is an entry in ClinVar:

ClinVar aggregate classification (germline): Benign/Likely benign. Review status: criteria provided, multiple submitters, no conflicts (2 of 4 stars). 3 submissions from 3 submitters: Benign (1); Likely benign (2). Last evaluated 2025-05-01.

Conditions:
Coffin-Siris syndrome 11. Identifiers: MedGen C5241442, MONDO:0032912, OMIM 618779.

Allele frequency attached by ClinVar (database versions not stated): 1000 Genomes Project 0.00060; 1000 Genomes Project 30x 0.00078; TOPMed 0.00233; gnomAD 0.00251; ExAC 0.00299; ESP Exome Variant Server 0.00331; gnomAD exomes 0.00368.
gnomAD v4.1: 5,486 of 1,560,100 alleles (0.35%); highest among the groups gnomAD compares: Non-Finnish European, 0.43%; 7 homozygotes.

Submissions (3):

CeGaT Center for Human Genetics Tuebingen
Classification: Benign. Last evaluated: 2025-05-01. Review status: criteria provided, single submitter. Criteria: CeGaT Center For Human Genetics Tuebingen Variant Classification Criteria Version 2. Collection method: clinical testing. Allele origin: germline. Affected: yes. Observed: 9 variant alleles.
Comment: SMARCD1: PP2, BS1, BS2

Blueprint Genetics
Classification: Likely benign. Last evaluated: 2024-11-22. Review status: criteria provided, single submitter. Criteria: ACMG Guidelines, 2015. Collection method: clinical testing. Allele origin: germline.

Molecular Genetics, Royal Melbourne Hospital
Classification: Likely benign for Coffin-Siris syndrome 11. Last evaluated: 2023-05-04. Review status: criteria provided, single submitter. Criteria: ACMG Guidelines, 2015. Collection method: clinical testing. Allele origin: germline. Affected: yes.
Comment: European Non-Finnish population allele frequency is 0.4668% (rs139120093, 627/124688 alleles, 2 homozygotes in gnomAD v2.1). Based on the classification scheme RMH Modified ACMG/AMP Guidelines v1.5.1, this variant is classified as LIKELY BENIGN. Following criteria are met: BS1

NM_003076.5(SMARCD1):c.336G>T (p.Gln112His)

Gene: SMARCD1 (SWI/SNF related BAF chromatin remodeling complex subunit D1; plus strand). Cytogenetic location: 12q13.12.
Variant type: single nucleotide variant.
Coding change: c.336G>T on transcript NM_003076.5 (MANE Select); coding-DNA position 336, G replaced by T.
Protein change: p.Gln112His; replaces glutamine 112 with histidine.
Molecular consequence: missense variant.
Genome position (GRCh38, 1-based): chr12:50,086,319, G>T. VCF-style: chr12-50086319-G-T. GRCh37 (hg19) VCF-style: chr12-50480102-G-T.
Other names: c.336G>T, p.Gln112His (NM_139071.3); short protein forms Q112H.
Identifiers: ClinVar variation 2642976 (VCV002642976.25), dbSNP rs139120093, ClinGen allele CA6561030.